The following is an entry in ClinVar:

NM_001130438.3(SPTAN1):c.3139G>A (p.Glu1047Lys)

Gene: SPTAN1 (spectrin alpha, non-erythrocytic 1; plus strand). Cytogenetic location: 9q34.11.
Variant type: single nucleotide variant.
Coding change: c.3139G>A on transcript NM_001130438.3 (MANE Select); coding-DNA position 3139, G replaced by A.
Protein change: p.Glu1047Lys; replaces glutamic acid 1047 with lysine.
Molecular consequence: missense variant.
Genome position (GRCh38, 1-based): chr9:128,591,609, G>A. VCF-style: chr9-128591609-G-A. GRCh37 (hg19) VCF-style: chr9-131353888-G-A.
Other names: c.3139G>A, p.Glu1047Lys (NM_003127.4, NM_001195532.2, NM_001363759.2 and 5 more transcripts); c.3175G>A, p.Glu1059Lys (NM_001375312.2, NM_001375318.1); short protein forms E1047K, E1059K.
Identifiers: ClinVar variation 948552 (VCV000948552.10), dbSNP rs1853536448, ClinGen allele CA375060599.
Genomic context (GRCh38, chr9:128,591,609, plus strand): 5'-GCCCAGTCAGCCTCCCGGGAGAATCTCCTGGAGGAGCAAGGCAGCATAGCACTGCGGCAG[G>A]AGCAGATTGACAATCAGTAAGGATGACACTGGGGGCCGCAAGGGCTAGGCGTCCCATAGG-3'
Protein context (NP_001123910.1, residues 1037-1057): EEQGSIALRQ[Glu1047Lys]QIDNQTRITK

ClinVar aggregate classification (germline): Uncertain significance. Review status: criteria provided, multiple submitters, no conflicts (2 of 4 stars). 2 submissions from 2 submitters: Uncertain significance (2). Last evaluated 2022-07-08.

Conditions:
Early-infantile DEE. Also called: Early infantile epileptic encephalopathy; Ohtahara syndrome; Early infantile epileptic encephalopathy with suppression bursts. Identifiers: Orphanet 1934, MedGen C0393706, MONDO:0800491.

Submissions (2):

GeneDx
Classification: Uncertain significance. Last evaluated: 2022-07-08. Review status: criteria provided, single submitter. Criteria: GeneDx Variant Classification Process June 2021. Collection method: clinical testing. Allele origin: germline. Affected: yes.
Comment: Not observed at significant frequency in large population cohorts (gnomAD); In silico analysis supports that this missense variant does not alter protein structure/function; Has not been previously published as pathogenic or benign to our knowledge

Labcorp Genetics (formerly Invitae), Labcorp
Classification: Uncertain significance for Early-infantile DEE. Last evaluated: 2019-07-31. Review status: criteria provided, single submitter. Criteria: Invitae Variant Classification Sherloc (09022015). Collection method: clinical testing. Allele origin: germline.
Comment: This variant is not present in population databases (ExAC no frequency). In summary, the available evidence is currently insufficient to determine the role of this variant in disease. Therefore, it has been classified as a Variant of Uncertain Significance. Algorithms developed to predict the effect of missense changes on protein structure and function (SIFT, PolyPhen-2, Align-GVGD) all suggest that this variant is likely to be tolerated, but these predictions have not been confirmed by published functional studies and their clinical significance is uncertain. This variant has not been reported in the literature in individuals with SPTAN1-related conditions. This sequence change replaces glutamic acid with lysine at codon 1047 of the SPTAN1 protein (p.Glu1047Lys). The glutamic acid residue is moderately conserved and there is a small physicochemical difference between glutamic acid and lysine.